The following is an entry in ClinVar:

NM_032776.3(JMJD1C):c.478A>G (p.Arg160Gly)

Gene: JMJD1C (jumonji domain containing 1C; minus strand). Cytogenetic location: 10q21.3.
Variant type: single nucleotide variant.
Coding change: c.478A>G on transcript NM_032776.3 (MANE Select); coding-DNA position 478, A replaced by G.
Protein change: p.Arg160Gly; replaces arginine 160 with glycine.
Molecular consequence: missense variant. On other transcripts: 5 prime UTR variant (3), intron variant (2).
Genome position (GRCh38, 1-based): chr10:63,219,953, T>C on the plus strand (A>G on the coding strand, the complement: JMJD1C is on the minus strand). VCF-style: chr10-63219953-T-C. GRCh37 (hg19) VCF-style: chr10-64979713-T-C.
Other names: c.478A>G (NM_032776.1); c.-69A>G (NM_001282948.2, NM_001318154.2); c.-391A>G (NM_001318153.2); c.364A>G, p.Arg122Gly (NM_001322252.2); c.-104-2622A>G (NM_001322258.2, NM_001322254.2); short protein forms R160G, R122G.
Identifiers: ClinVar variation 650888 (VCV000650888.9), dbSNP rs202192474, ClinGen allele CA5519024.
Genomic context (GRCh38, chr10:63,219,953, plus strand): 5'-CCTGAACCTTTTGTTCCTTTACCCAGACTTTCACTTCCTCATGAAGCTGCGGGTTGTCCC[T>C]GAGAACTGGGTTTAGGCTGTCTATGTCGTCCTAGAATTATAGATTAAAAGAAAGGTCCAT-3'
Protein context (NP_116165.1, residues 150-170): DDIDSLNPVL[Arg160Gly]DNPQLHEEVK

ClinVar aggregate classification (germline): Uncertain significance. Review status: criteria provided, multiple submitters, no conflicts (2 of 4 stars). 2 submissions from 2 submitters: Uncertain significance (2). Last evaluated 2025-01-06.

Conditions:
Early Myoclonic Encephalopathy. Identifiers: MedGen C0270855.

Allele frequency attached by ClinVar (database versions not stated): gnomAD 0.00010 and 0.00011; TOPMed 0.00013; ExAC 0.00008; ESP Exome Variant Server 0.00017; gnomAD exomes 0.00009.
gnomAD v4.1: 337 of 1,613,378 alleles (0.021%); highest among the groups gnomAD compares: Non-Finnish European, 0.027%; no homozygotes.

Submissions (2):

Labcorp Genetics (formerly Invitae), Labcorp
Classification: Uncertain significance for Early Myoclonic Encephalopathy. Last evaluated: 2025-01-06. Review status: criteria provided, single submitter. Criteria: Invitae Variant Classification Sherloc (09022015). Collection method: clinical testing. Allele origin: germline.
Comment: This sequence change replaces arginine, which is basic and polar, with glycine, which is neutral and non-polar, at codon 160 of the JMJD1C protein (p.Arg160Gly). This variant is present in population databases (rs202192474, gnomAD 0.01%). This variant has not been reported in the literature in individuals affected with JMJD1C-related conditions. ClinVar contains an entry for this variant (Variation ID: 650888). An algorithm developed to predict the effect of missense changes on protein structure and function (PolyPhen-2) suggests that this variant is likely to be disruptive. In summary, the available evidence is currently insufficient to determine the role of this variant in disease. Therefore, it has been classified as a Variant of Uncertain Significance.

Ambry Genetics
Classification: Uncertain significance. Last evaluated: 2023-12-20. Review status: criteria provided, single submitter. Criteria: Ambry Variant Classification Scheme 2023. Collection method: clinical testing. Allele origin: germline.